The following is an entry in ClinVar:

NM_003072.5(SMARCA4):c.523A>C (p.Asn175His)

Gene: SMARCA4 (SWI/SNF related BAF chromatin remodeling complex subunit ATPase 4; plus strand). Cytogenetic location: 19p13.2.
Variant type: single nucleotide variant.
Coding change: c.523A>C on transcript NM_003072.5 (MANE Select); coding-DNA position 523, A replaced by C.
Protein change: p.Asn175His; replaces asparagine 175 with histidine.
Molecular consequence: missense variant. On other transcripts: non-coding transcript variant (1).
Genome position (GRCh38, 1-based): chr19:10,986,356, A>C. VCF-style: chr19-10986356-A-C. GRCh37 (hg19) VCF-style: chr19-11097032-A-C.
Other names: c.523A>C, p.Asn175His (NM_001128848.2, NM_001128849.3, NM_001374457.1 and 6 more transcripts); short protein forms N175H.
Identifiers: ClinVar variation 3708543 (VCV003708543.2).

ClinVar aggregate classification (germline): Uncertain significance (1 of 4 stars; one submission).

Conditions:
Rhabdoid tumor predisposition syndrome 2 (RTPS2). Identifiers: Orphanet 231108, Orphanet 69077, MedGen C2750074, MONDO:0013224, OMIM 613325.

gnomAD v4.1: 1 of 1,611,620 alleles (0.000062%); highest among the groups gnomAD compares: African/African-American, 0.0013%; no homozygotes.

Submission:

Labcorp Genetics (formerly Invitae), Labcorp
Classification: Uncertain significance for Rhabdoid tumor predisposition syndrome 2. Last evaluated: 2025-01-08. Review status: criteria provided, single submitter. Criteria: Invitae Variant Classification Sherloc (09022015). Collection method: clinical testing. Allele origin: germline.
Comment: This sequence change replaces asparagine, which is neutral and polar, with histidine, which is basic and polar, at codon 175 of the SMARCA4 protein (p.Asn175His). This variant is present in population databases (rs774278132, gnomAD 0.007%). This variant has not been reported in the literature in individuals affected with SMARCA4-related conditions. Invitae Evidence Modeling of protein sequence and biophysical properties (such as structural, functional, and spatial information, amino acid conservation, physicochemical variation, residue mobility, and thermodynamic stability) indicates that this missense variant is not expected to disrupt SMARCA4 protein function with a negative predictive value of 95%. In summary, the available evidence is currently insufficient to determine the role of this variant in disease. Therefore, it has been classified as a Variant of Uncertain Significance.